The following is an entry in ClinVar:

NM_006648.4(WNK2):c.6092A>T (p.Asp2031Val)

Gene: WNK2 (WNK lysine deficient protein kinase 2; plus strand). Cytogenetic location: 9q22.31.
Variant type: single nucleotide variant.
Coding change: c.6092A>T on transcript NM_006648.4 (MANE Select); coding-DNA position 6092, A replaced by T.
Protein change: p.Asp2031Val; replaces aspartic acid 2031 with valine.
Molecular consequence: missense variant.
Genome position (GRCh38, 1-based): chr9:93,299,238, A>T. VCF-style: chr9-93299238-A-T. GRCh37 (hg19) VCF-style: chr9-96061520-A-T.
Other names: c.6203A>T, p.Asp2068Val (NM_001282394.3); short protein forms D2031V, D2068V.
Identifiers: ClinVar variation 3981719 (VCV003981719.1).
Genomic context (GRCh38, chr9:93,299,238, plus strand): 5'-AGCAGCCCTGCTCCGTCCGGGCCTCCCTGTCTTCGGACATCTGCTCCGGCTTAGCCAGTG[A>T]TGGAGGCGGAGCGCGTGGCCAAGGTGATTTCCAGCTTGCCTGTCTCCGAGCATGTGCTAG-3'
Protein context (NP_006639.3, residues 2021-2041): SSDICSGLAS[Asp2031Val]GGGARGQGWT

ClinVar aggregate classification (germline): Uncertain significance (1 of 4 stars; one submission).

gnomAD v4.1: 1 of 1,579,806 alleles (0.000063%); highest among the groups gnomAD compares: Non-Finnish European, 0.000086%; no homozygotes.

Submission:

Ambry Genetics
Classification: Uncertain significance. Last evaluated: 2025-03-26. Review status: criteria provided, single submitter. Criteria: Ambry Variant Classification Scheme 2023. Collection method: clinical testing. Allele origin: germline.
Comment: The p.D2031V variant (also known as c.6092A>T), located in coding exon 24 of the WNK2 gene, results from an A to T substitution at nucleotide position 6092. The aspartic acid at codon 2031 is replaced by valine, an amino acid with highly dissimilar properties. This amino acid position is conserved. In addition, the in silico prediction for this alteration is inconclusive. Based on the available evidence, the clinical significance of this variant remains unclear.